The following is an entry in ClinVar:

ClinVar aggregate classification (germline): Uncertain significance. Review status: criteria provided, multiple submitters, no conflicts (2 of 4 stars). 2 submissions from 2 submitters: Uncertain significance (2). Last evaluated 2024-07-09.

Allele frequency attached by ClinVar (database versions not stated): gnomAD 0.00001.
gnomAD v4.1: 1 of 1,613,558 alleles (0.000062%); highest among the groups gnomAD compares: Non-Finnish European, 0.000085%; no homozygotes.

Submissions (2):

Labcorp Genetics (formerly Invitae), Labcorp
Classification: Uncertain significance. Last evaluated: 2024-07-09. Review status: criteria provided, single submitter. Criteria: Invitae Variant Classification Sherloc (09022015). Collection method: clinical testing. Allele origin: germline.
Comment: This sequence change replaces lysine, which is basic and polar, with threonine, which is neutral and polar, at codon 668 of the OPA1 protein (p.Lys668Thr). This variant is not present in population databases (gnomAD no frequency). This variant has not been reported in the literature in individuals affected with OPA1-related conditions. ClinVar contains an entry for this variant (Variation ID: 1320804). Advanced modeling of protein sequence and biophysical properties (such as structural, functional, and spatial information, amino acid conservation, physicochemical variation, residue mobility, and thermodynamic stability) performed at Invitae indicates that this missense variant is not expected to disrupt OPA1 protein function with a negative predictive value of 80%. In summary, the available evidence is currently insufficient to determine the role of this variant in disease. Therefore, it has been classified as a Variant of Uncertain Significance.

GeneDx
Classification: Uncertain significance. Last evaluated: 2019-04-01. Review status: criteria provided, single submitter. Criteria: GeneDx Variant Classification Process June 2021. Collection method: clinical testing. Allele origin: germline. Affected: yes.
Comment: Not observed in large population cohorts (Lek et al., 2016); In silico analysis, which includes protein predictors and evolutionary conservation, supports a deleterious effect; Has not been previously published as pathogenic or benign to our knowledge

NM_130837.3(OPA1):c.2168A>C (p.Lys723Thr)

Gene: OPA1 (OPA1 mitochondrial dynamin like GTPase; plus strand). Cytogenetic location: 3q29.
Variant type: single nucleotide variant.
Coding change: c.2168A>C on transcript NM_130837.3 (MANE Select); coding-DNA position 2168, A replaced by C.
Protein change: p.Lys723Thr; replaces lysine 723 with threonine.
Molecular consequence: missense variant.
Genome position (GRCh38, 1-based): chr3:193,655,017, A>C. VCF-style: chr3-193655017-A-C. GRCh37 (hg19) VCF-style: chr3-193372806-A-C.
Other names: c.1634A>C, p.Lys545Thr (NM_001354663.2); c.1631A>C, p.Lys544Thr (NM_001354664.2); c.2003A>C, p.Lys668Thr (NM_015560.3); c.1895A>C, p.Lys632Thr (NM_130831.3); c.1949A>C, p.Lys650Thr (NM_130832.3); c.2006A>C, p.Lys669Thr (NM_130833.3); c.2057A>C, p.Lys686Thr (NM_130834.3); c.2060A>C, p.Lys687Thr (NM_130835.3); and 1 more; short protein forms K544T, K545T, K632T, K650T, K668T, K669T, K686T, K687T.
Identifiers: ClinVar variation 1320804 (VCV001320804.4), dbSNP rs1713442826, ClinGen allele CA355791314.
Genomic context (GRCh38, chr3:193,655,017, plus strand): 5'-CTTTTAACACCACAGTGGATATCAAGCTTAAACAGTGGACTGATAAACAACTTCCTAATA[A>C]AGCAGTAGAGGTTAGGATATAATTTAATTAAATGGGTAAGAAGCATTATCTGAAGGGAGT-3'
Protein context (NP_570850.2, residues 713-733): KQWTDKQLPN[Lys723Thr]AVEVAWETLQ